The following is an entry in ClinVar:

NM_015015.3(KDM4B):c.671C>G (p.Ala224Gly)

Gene: KDM4B (lysine demethylase 4B; plus strand). Cytogenetic location: 19p13.3.
Variant type: single nucleotide variant.
Coding change: c.671C>G on transcript NM_015015.3 (MANE Select); coding-DNA position 671, C replaced by G.
Protein change: p.Ala224Gly; replaces alanine 224 with glycine.
Molecular consequence: missense variant.
Genome position (GRCh38, 1-based): chr19:5,071,054, C>G. VCF-style: chr19-5071054-C-G. GRCh37 (hg19) VCF-style: chr19-5071065-C-G.
Other names: c.671C>G, p.Ala224Gly (NM_001370093.1, NM_001370094.1, NM_001411148.1); short protein forms A224G.
Identifiers: ClinVar variation 3900932 (VCV003900932.1).

ClinVar aggregate classification (germline): Uncertain significance (1 of 4 stars; one submission).

Submission:

GeneDx
Classification: Uncertain significance. Last evaluated: 2024-11-27. Review status: criteria provided, single submitter. Criteria: GeneDx Variant Classification Process June 2021. Collection method: clinical testing. Allele origin: germline. Affected: yes.
Comment: Not observed at significant frequency in large population cohorts (gnomAD); In silico analysis supports that this missense variant has a deleterious effect on protein structure/function; Has not been previously published as pathogenic or benign to our knowledge